The following is an entry in ClinVar:

ClinVar aggregate classification (germline): Uncertain significance. Review status: criteria provided, multiple submitters, no conflicts (2 of 4 stars). 3 submissions from 3 submitters: Uncertain significance (3). Last evaluated 2022-07-12.

Conditions:
Developmental and epileptic encephalopathy, 37 (DEE37). Also called: Epileptic encephalopathy, early infantile, 37. Identifiers: MedGen C4310770, MONDO:0014859, OMIM 616981.
Inborn genetic diseases. Identifiers: MedGen C0950123, MeSH D030342.

Allele frequency attached by ClinVar (database versions not stated): gnomAD 0.00002; gnomAD exomes 0.00002 and 0.00003; TOPMed 0.00003; ExAC 0.00004; ESP Exome Variant Server 0.00008.
gnomAD v4.1: 33 of 1,613,494 alleles (0.002%); highest among the groups gnomAD compares: Middle Eastern, 0.016%; no homozygotes.

Submissions (3):

Labcorp Genetics (formerly Invitae), Labcorp
Classification: Uncertain significance for Developmental and epileptic encephalopathy, 37. Last evaluated: 2022-07-12. Review status: criteria provided, single submitter. Criteria: Invitae Variant Classification Sherloc (09022015). Collection method: clinical testing. Allele origin: germline.
Comment: This sequence change replaces valine, which is neutral and non-polar, with isoleucine, which is neutral and non-polar, at codon 214 of the FRRS1L protein (p.Val214Ile). This variant is present in population databases (rs374214528, gnomAD 0.006%). This variant has not been reported in the literature in individuals affected with FRRS1L-related conditions. ClinVar contains an entry for this variant (Variation ID: 476306). Algorithms developed to predict the effect of missense changes on protein structure and function (SIFT, PolyPhen-2, Align-GVGD) all suggest that this variant is likely to be disruptive. In summary, the available evidence is currently insufficient to determine the role of this variant in disease. Therefore, it has been classified as a Variant of Uncertain Significance.

Ambry Genetics
Classification: Uncertain significance for Inborn genetic diseases. Last evaluated: 2021-10-18. Review status: criteria provided, single submitter. Criteria: Ambry Variant Classification Scheme 2023. Collection method: clinical testing. Allele origin: germline.

Baylor Genetics
Classification: Uncertain significance for Developmental and epileptic encephalopathy, 37. Last evaluated: 2019-04-11. Review status: criteria provided, single submitter. Criteria: ACMG Guidelines, 2015. Collection method: clinical testing. Allele origin: unknown. Affected: yes.
Comment: This variant was determined to be of uncertain significance according to ACMG Guidelines, 2015 [PMID:25741868].

NM_014334.4(FRRS1L):c.487G>A (p.Val163Ile)

Gene: FRRS1L (ferric chelate reductase 1 like; minus strand). Cytogenetic location: 9q31.3.
Variant type: single nucleotide variant.
Coding change: c.487G>A on transcript NM_014334.4 (MANE Select); coding-DNA position 487, G replaced by A.
Protein change: p.Val163Ile; replaces valine 163 with isoleucine.
Molecular consequence: missense variant.
Genome position (GRCh38, 1-based): chr9:109,141,565, C>T on the plus strand (G>A on the coding strand, the complement: FRRS1L is on the minus strand). VCF-style: chr9-109141565-C-T. GRCh37 (hg19) VCF-style: chr9-111903845-C-T.
Other names: short protein forms V163I.
Identifiers: ClinVar variation 476306 (VCV000476306.8), dbSNP rs374214528, ClinGen allele CA5177391.